The following is an entry in ClinVar:

NM_004006.3(DMD):c.5696A>C (p.Lys1899Thr)

Gene: DMD (dystrophin; minus strand). Cytogenetic location: Xp21.1.
Variant type: single nucleotide variant.
Coding change: c.5696A>C on transcript NM_004006.3 (MANE Select); coding-DNA position 5696, A replaced by C.
Protein change: p.Lys1899Thr; replaces lysine 1899 with threonine.
Molecular consequence: missense variant.
Genome position (GRCh38, 1-based): chrX:32,343,177, T>G on the plus strand (A>C on the coding strand, the complement: DMD is on the minus strand). VCF-style: chrX-32343177-T-G. GRCh37 (hg19) VCF-style: chrX-32361294-T-G.
Other names: c.5672A>C, p.Lys1891Thr (NM_000109.4); c.5684A>C, p.Lys1895Thr (NM_004009.3); c.5327A>C, p.Lys1776Thr (NM_004010.3); c.1673A>C, p.Lys558Thr (NM_004011.4); c.1664A>C, p.Lys555Thr (NM_004012.4); short protein forms K1891T, K1895T, K1899T, K1776T, K555T, K558T.
Identifiers: ClinVar variation 3706931 (VCV003706931.2).

ClinVar aggregate classification (germline): Uncertain significance (1 of 4 stars; one submission).

Conditions:
Duchenne muscular dystrophy (DMD). Also called: MUSCULAR DYSTROPHY, PSEUDOHYPERTROPHIC PROGRESSIVE, DUCHENNE TYPE; Duchenne Muscular Dystrophy (DMD). Identifiers: Orphanet 98896, MedGen C0013264, MONDO:0010679, OMIM 310200.

gnomAD v4.1: 1 of 1,208,968 alleles (0.000083%); highest among the groups gnomAD compares: African/African-American, 0.0018%; no homozygotes.

Submission:

Labcorp Genetics (formerly Invitae), Labcorp
Classification: Uncertain significance for Duchenne muscular dystrophy. Last evaluated: 2024-08-20. Review status: criteria provided, single submitter. Criteria: Invitae Variant Classification Sherloc (09022015). Collection method: clinical testing. Allele origin: germline.
Comment: This sequence change replaces lysine, which is basic and polar, with threonine, which is neutral and polar, at codon 1899 of the DMD protein (p.Lys1899Thr). This variant is not present in population databases (gnomAD no frequency). This variant has not been reported in the literature in individuals affected with DMD-related conditions. Invitae Evidence Modeling of protein sequence and biophysical properties (such as structural, functional, and spatial information, amino acid conservation, physicochemical variation, residue mobility, and thermodynamic stability) indicates that this missense variant is not expected to disrupt DMD protein function with a negative predictive value of 95%. In summary, the available evidence is currently insufficient to determine the role of this variant in disease. Therefore, it has been classified as a Variant of Uncertain Significance.